The following is an entry in ClinVar:

NM_000285.4(PEPD):c.1006A>G (p.Ile336Val)

Gene: PEPD (peptidase D; minus strand). Cytogenetic location: 19q13.11.
Variant type: single nucleotide variant.
Coding change: c.1006A>G on transcript NM_000285.4 (MANE Select); coding-DNA position 1006, A replaced by G.
Protein change: p.Ile336Val; replaces isoleucine 336 with valine.
Molecular consequence: missense variant.
Genome position (GRCh38, 1-based): chr19:33,391,441, T>C on the plus strand (A>G on the coding strand, the complement: PEPD is on the minus strand). VCF-style: chr19-33391441-T-C. GRCh37 (hg19) VCF-style: chr19-33882347-T-C.
Other names: c.883A>G, p.Ile295Val (NM_001166056.2); c.814A>G, p.Ile272Val (NM_001166057.2); short protein forms I336V, I272V, I295V.
Identifiers: ClinVar variation 2013116 (VCV002013116.1), dbSNP rs1968218338, ClinGen allele CA405221991.

ClinVar aggregate classification (germline): Uncertain significance (1 of 4 stars; one submission).

Allele frequency attached by ClinVar (database versions not stated): gnomAD exomes below 0.00001; TOPMed below 0.00001.
gnomAD v4.1: 1 of 1,559,464 alleles (0.000064%); highest among the groups gnomAD compares: East Asian, 0.0024%; no homozygotes.

Submission:

Labcorp Genetics (formerly Invitae), Labcorp
Classification: Uncertain significance. Last evaluated: 2022-07-02. Review status: criteria provided, single submitter. Criteria: Invitae Variant Classification Sherloc (09022015). Collection method: clinical testing. Allele origin: germline.
Comment: This sequence change replaces isoleucine, which is neutral and non-polar, with valine, which is neutral and non-polar, at codon 336 of the PEPD protein (p.Ile336Val). This variant is not present in population databases (gnomAD no frequency). This variant has not been reported in the literature in individuals affected with PEPD-related conditions. Algorithms developed to predict the effect of missense changes on protein structure and function output the following: SIFT: "Tolerated"; PolyPhen-2: "Benign"; Align-GVGD: "Class C0". The valine amino acid residue is found in multiple mammalian species, which suggests that this missense change does not adversely affect protein function. In summary, the available evidence is currently insufficient to determine the role of this variant in disease. Therefore, it has been classified as a Variant of Uncertain Significance.